The following is an entry in ClinVar:

NM_000057.4(BLM):c.4129A>G (p.Ile1377Val)

Gene: BLM (BLM RecQ like helicase; plus strand). Cytogenetic location: 15q26.1.
Variant type: single nucleotide variant.
Coding change: c.4129A>G on transcript NM_000057.4 (MANE Select); coding-DNA position 4129, A replaced by G.
Protein change: p.Ile1377Val; replaces isoleucine 1377 with valine.
Molecular consequence: missense variant.
Genome position (GRCh38, 1-based): chr15:90,815,154, A>G. VCF-style: chr15-90815154-A-G. GRCh37 (hg19) VCF-style: chr15-91358384-A-G.
Other names: c.4129A>G, p.Ile1377Val (NM_001287246.2); c.3736A>G, p.Ile1246Val (NM_001287247.2); c.3004A>G, p.Ile1002Val (NM_001287248.2); short protein forms I1002V, I1377V, I1246V.
Identifiers: ClinVar variation 3687803 (VCV003687803.2).
Genomic context (GRCh38, chr15:90,815,154, plus strand): 5'-CATTTCAGGGGGTCTGCCACATGTAGAAAGATATCTTCCAAAACGAAATCCTCCAGCATC[A>G]TTGGATCCAGTTCAGCCTCACATACTTCTCAAGCGACATCAGGAGCCAATAGCAAATTGG-3'
Protein context (NP_000048.1, residues 1367-1387): ISSKTKSSSI[Ile1377Val]GSSSASHTSQ

ClinVar aggregate classification (germline): Uncertain significance (1 of 4 stars; one submission).

Conditions:
Bloom syndrome (BLM). Also called: Bloom-Torre-Machacek syndrome. Identifiers: Orphanet 125, MedGen C0005859, MONDO:0008876, OMIM 210900.

Submission:

Labcorp Genetics (formerly Invitae), Labcorp
Classification: Uncertain significance for Bloom syndrome. Last evaluated: 2024-08-01. Review status: criteria provided, single submitter. Criteria: Invitae Variant Classification Sherloc (09022015). Collection method: clinical testing. Allele origin: germline.
Comment: This sequence change replaces isoleucine, which is neutral and non-polar, with valine, which is neutral and non-polar, at codon 1377 of the BLM protein (p.Ile1377Val). This variant is not present in population databases (gnomAD no frequency). This variant has not been reported in the literature in individuals affected with BLM-related conditions. An algorithm developed to predict the effect of missense changes on protein structure and function outputs the following: PolyPhen-2: "Benign". The valine amino acid residue is found in multiple mammalian species, which suggests that this missense change does not adversely affect protein function. In summary, the available evidence is currently insufficient to determine the role of this variant in disease. Therefore, it has been classified as a Variant of Uncertain Significance.